The following is an entry in ClinVar:

ClinVar aggregate classification (germline): Uncertain significance (1 of 4 stars; one submission).

Allele frequency attached by ClinVar (database versions not stated): gnomAD exomes 0.00001.

Submission:

CeGaT Center for Human Genetics Tuebingen
Classification: Uncertain significance. Last evaluated: 2024-01-01. Review status: criteria provided, single submitter. Criteria: CeGaT Center For Human Genetics Tuebingen Variant Classification Criteria Version 2. Collection method: clinical testing. Allele origin: germline. Affected: yes. Observed: 1 variant allele.
Comment: HYDIN: PM2, BP4

NM_001270974.2(HYDIN):c.6107G>C (p.Gly2036Ala)

Gene: HYDIN (HYDIN axonemal central pair apparatus protein; minus strand). Cytogenetic location: 16q22.2.
Variant type: single nucleotide variant.
Coding change: c.6107G>C on transcript NM_001270974.2 (MANE Select); coding-DNA position 6107, G replaced by C.
Protein change: p.Gly2036Ala; replaces glycine 2036 with alanine.
Molecular consequence: missense variant.
Genome position (GRCh38, 1-based): chr16:70,959,682, C>G on the plus strand (G>C on the coding strand, the complement: HYDIN is on the minus strand). VCF-style: chr16-70959682-C-G. GRCh37 (hg19) VCF-style: chr16-70993585-C-G.
Other names: short protein forms G2036A.
Identifiers: ClinVar variation 3025569 (VCV003025569.22), dbSNP rs746181307, ClinGen allele CA8150384.
Genomic context (GRCh38, chr16:70,959,682, plus strand): 5'-ACCTCCCCTCAGAACTGTTGCCTACCTGACAAGGGTGTCCCATGAATGATAATGGCGATG[C>G]CTTTCCGGTTCTTGGCCAGGCGGCCTTCTGCAGAAATGTCAATGCCCAGGTGGCGAGCGA-3'
Protein context (NP_001257903.1, residues 2026-2046): AEGRLAKNRK[Gly2036Ala]IAIIIHGTPL